The following is an entry in ClinVar:

ClinVar aggregate classification (germline): Uncertain significance (1 of 4 stars; one submission).

Conditions:
Deficiency of adenosine deaminase 2. Also called: Adenosine Deaminase 2 Deficiency; VASCULITIS, AUTOINFLAMMATION, IMMUNODEFICIENCY, AND HEMATOLOGIC DEFECTS SYNDROME; Polyarteritis nodosa, childhoood-onset. Identifiers: Orphanet 404553, MedGen C3887654, MONDO:0014306, OMIM 615688, MONDO:0100317.

Submission:

Labcorp Genetics (formerly Invitae), Labcorp
Classification: Uncertain significance for Deficiency of adenosine deaminase 2. Last evaluated: 2022-05-12. Review status: criteria provided, single submitter. Criteria: Invitae Variant Classification Sherloc (09022015). Collection method: clinical testing. Allele origin: germline.
Comment: This sequence change replaces serine, which is neutral and polar, with phenylalanine, which is neutral and non-polar, at codon 295 of the ADA2 protein (p.Ser295Phe). This variant is not present in population databases (gnomAD no frequency). This variant has not been reported in the literature in individuals affected with ADA2-related conditions. Algorithms developed to predict the effect of missense changes on protein structure and function output the following: SIFT: "Tolerated"; PolyPhen-2: "Benign"; Align-GVGD: "Class C0". The phenylalanine amino acid residue is found in multiple mammalian species, which suggests that this missense change does not adversely affect protein function. In summary, the available evidence is currently insufficient to determine the role of this variant in disease. Therefore, it has been classified as a Variant of Uncertain Significance.

NM_001282225.2(ADA2):c.884C>T (p.Ser295Phe)

Gene: ADA2 (adenosine deaminase 2; minus strand). Cytogenetic location: 22q11.1.
Variant type: single nucleotide variant.
Coding change: c.884C>T on transcript NM_001282225.2 (MANE Select); coding-DNA position 884, C replaced by T.
Protein change: p.Ser295Phe; replaces serine 295 with phenylalanine.
Molecular consequence: missense variant.
Genome position (GRCh38, 1-based): chr22:17,190,030, G>A on the plus strand (C>T on the coding strand, the complement: ADA2 is on the minus strand). VCF-style: chr22-17190030-G-A. GRCh37 (hg19) VCF-style: chr22-17670920-G-A.
Other names: c.884C>T, p.Ser295Phe (NM_001282226.2); c.758C>T, p.Ser253Phe (NM_001282227.2, NM_001282228.2); c.524C>T, p.Ser175Phe (NM_001282229.2); c.161C>T, p.Ser54Phe (NM_177405.3); short protein forms S175F, S253F, S295F, S54F.
Identifiers: ClinVar variation 1938374 (VCV001938374.5), dbSNP rs2517301477, ClinGen allele CA410233828.